The following is an entry in ClinVar:

NR_199791.1(RNU2-2):n.178A>G

Genes: RNU2-2 (RNA, U2 small nuclear 2; minus strand), WDR74 (WD repeat domain 74; minus strand). Cytogenetic location: 11q12.3.
Variant type: single nucleotide variant.
Molecular consequence: non-coding transcript variant (on NR_199791.1). On other transcripts: 5 prime UTR variant (1).
Genome position: GRCh38 VCF-style: chr11-62841632-T-C. GRCh37 (hg19) VCF-style: chr11-62609104-T-C.
Other names: c.-361A>G (NM_001369451.1).
Identifiers: ClinVar variation 3771971 (VCV003771971.13).

ClinVar aggregate classification (germline): Benign (1 of 4 stars; one submission).

Submission:

CeGaT Center for Human Genetics Tuebingen
Classification: Benign. Last evaluated: 2026-09-01. Review status: criteria provided, single submitter. Criteria: CeGaT Center For Human Genetics Tuebingen Variant Classification Criteria Version 2. Collection method: clinical testing. Allele origin: germline. Affected: yes. Observed: 21 variant alleles.
Comment: RNU2-2: BS1, BS2